The following is an entry in ClinVar:

NM_006031.6(PCNT):c.2128A>G (p.Thr710Ala)

Gene: PCNT (pericentrin; plus strand). Cytogenetic location: 21q22.3.
Variant type: single nucleotide variant.
Coding change: c.2128A>G on transcript NM_006031.6 (MANE Select); coding-DNA position 2128, A replaced by G.
Protein change: p.Thr710Ala; replaces threonine 710 with alanine.
Molecular consequence: missense variant.
Genome position (GRCh38, 1-based): chr21:46,357,165, A>G. VCF-style: chr21-46357165-A-G. GRCh37 (hg19) VCF-style: chr21-47777080-A-G.
Other names: c.1774A>G, p.Thr592Ala (NM_001315529.2); short protein forms T592A, T710A.
Identifiers: ClinVar variation 3349987 (VCV003349987.1).

ClinVar aggregate classification (germline): Uncertain significance (0 of 4 stars; one submission).

Conditions:
PCNT-related disorder. Also called: PCNT-related condition.

Submission:

PreventionGenetics, part of Exact Sciences
Classification: Uncertain significance for PCNT-related condition. Last evaluated: 2024-03-05. Review status: no assertion criteria provided. Collection method: clinical testing. Allele origin: germline.
Comment: The PCNT c.2128A>G variant is predicted to result in the amino acid substitution p.Thr710Ala. To our knowledge, this variant has not been reported in the literature or in a large population database, indicating this variant is rare. At this time, the clinical significance of this variant is uncertain due to the absence of conclusive functional and genetic evidence.